The following is an entry in ClinVar:

ClinVar aggregate classification (germline): Benign (1 of 4 stars; one submission).

Submission:

ISCA site 4
Classification: Benign. Last evaluated: 2011-08-12. Review status: criteria provided, single submitter. Criteria: Kaminsky et al. (Genet Med. 2011). Collection method: clinical testing. Allele origin: unknown. Affected: yes. Observed: 2 variant alleles.
Comment: Copy number variation identified through the course of routine clinical cytogenomic testing in postnatal populations. Clinical assertions have been curated as described in Kaminsky et al. 2011.

GRCh38/hg38 Xq28(chrX:155998122-156022206)x0

Genes: IL9R (interleukin 9 receptor; plus strand), WASIR1 (WASH and IL9R antisense RNA 1; minus strand). Cytogenetic location: Xq28.
Variant type: copy number loss.
Change: copy number 0 of chrX:155,998,122-156,022,206 (24.1 kb, GRCh38 coordinates, 1-based), cytogenetic band Xq28.
Identifiers: ClinVar variation 57513 (VCV000057513.1).